The following is an entry in ClinVar:

NM_018972.4(GDAP1):c.681T>A (p.Asn227Lys)

Gene: GDAP1 (ganglioside induced differentiation associated protein 1; plus strand). Cytogenetic location: 8q21.11.
Variant type: single nucleotide variant.
Coding change: c.681T>A on transcript NM_018972.4 (MANE Select); coding-DNA position 681, T replaced by A.
Protein change: p.Asn227Lys; replaces asparagine 227 with lysine.
Molecular consequence: missense variant.
Genome position (GRCh38, 1-based): chr8:74,363,040, T>A. VCF-style: chr8-74363040-T-A. GRCh37 (hg19) VCF-style: chr8-75275275-T-A.
Other names: c.477T>A, p.Asn159Lys (NM_001040875.4); c.354T>A, p.Asn118Lys (NM_001362929.2, NM_001362932.2); c.507T>A, p.Asn169Lys (NM_001362930.2); c.681T>A, p.Asn227Lys (NM_001362931.2); short protein forms N118K, N159K, N169K, N227K.
Identifiers: ClinVar variation 917002 (VCV000917002.13), dbSNP rs762473236, ClinGen allele CA4785160.

ClinVar aggregate classification (germline): Uncertain significance. Review status: criteria provided, multiple submitters, no conflicts (2 of 4 stars). 4 submissions from 4 submitters: Uncertain significance (4). Last evaluated 2025-03-15.

Conditions:
Inborn genetic diseases. Identifiers: MedGen C0950123, MeSH D030342.
Charcot-Marie-Tooth disease type 4A. Also called: Charcot-Marie-Tooth disease, demyelinating, autosomal recessive, type 4a. Identifiers: Orphanet 99948, MedGen C1859198, MONDO:0008961, OMIM 214400.
Charcot-Marie-Tooth disease. Also called: Charcot-Marie-Tooth Neuropathy; Charcot-Marie-Tooth Hereditary Neuropathy. Identifiers: Orphanet 166, MedGen C0007959, MONDO:0015626.

Allele frequency attached by ClinVar (database versions not stated): TOPMed 0.00001; ExAC 0.00002; gnomAD 0.00002; gnomAD exomes 0.00003.
gnomAD v4.1: 35 of 1,444,106 alleles (0.0024%); highest among the groups gnomAD compares: Non-Finnish European, 0.0034%; no homozygotes.

Submissions (4):

Labcorp Genetics (formerly Invitae), Labcorp
Classification: Uncertain significance for Charcot-Marie-Tooth disease type 4A. Last evaluated: 2025-03-15. Review status: criteria provided, single submitter. Criteria: Invitae Variant Classification Sherloc (09022015). Collection method: clinical testing. Allele origin: germline.
Comment: This sequence change replaces asparagine, which is neutral and polar, with lysine, which is basic and polar, at codon 227 of the GDAP1 protein (p.Asn227Lys). This variant is present in population databases (rs762473236, gnomAD 0.005%). This missense change has been observed in individual(s) with clinical features of autosomal recessive Charcot-Marie-Tooth (CMT) disease (internal data). In at least one individual the data is consistent with being in trans (on the opposite chromosome) from a pathogenic variant. ClinVar contains an entry for this variant (Variation ID: 917002). An algorithm developed to predict the effect of missense changes on protein structure and function (PolyPhen-2) suggests that this variant is likely to be tolerated. This variant disrupts the p.Asn227 amino acid residue in GDAP1. Other variant(s) that disrupt this residue have been observed in individuals with GDAP1-related conditions (PMID: 20232219), which suggests that this may be a clinically significant amino acid residue. In summary, the available evidence is currently insufficient to determine the role of this variant in disease. Therefore, it has been classified as a Variant of Uncertain Significance.

Blueprint Genetics
Classification: Uncertain significance. Last evaluated: 2024-09-09. Review status: criteria provided, single submitter. Criteria: ACMG Guidelines, 2015. Collection method: clinical testing. Allele origin: germline.

Ambry Genetics
Classification: Uncertain significance for Inborn genetic diseases. Last evaluated: 2022-01-31. Review status: criteria provided, single submitter. Criteria: Ambry Variant Classification Scheme 2023. Collection method: clinical testing. Allele origin: germline.

Molecular Genetics Laboratory, London Health Sciences Centre
Classification: Uncertain significance for Charcot-Marie-Tooth disease. Review status: criteria provided, single submitter. Criteria: ACMG Guidelines, 2015. Collection method: clinical testing. Allele origin: germline. Affected: yes.

Literature cited by the submitters: PubMed 20232219 (cited by Labcorp Genetics (formerly Invitae), Labcorp).